The following is an entry in ClinVar:

NM_014283.5(SUCO):c.1221G>C (p.Gln407His)

Gene: SUCO (SUN domain containing ossification factor; plus strand). Cytogenetic location: 1q24.3.
Variant type: single nucleotide variant.
Coding change: c.1221G>C on transcript NM_014283.5 (MANE Select); coding-DNA position 1221, G replaced by C.
Protein change: p.Gln407His; replaces glutamine 407 with histidine.
Molecular consequence: missense variant. On other transcripts: 5 prime UTR variant (1).
Genome position (GRCh38, 1-based): chr1:172,575,581, G>C. VCF-style: chr1-172575581-G-C. GRCh37 (hg19) VCF-style: chr1-172544721-G-C.
Other names: c.1110G>C, p.Gln370His (NM_001282750.2); c.-309G>C (NM_001282751.2); c.1695G>C, p.Gln565His (NM_016227.4); short protein forms Q370H, Q407H, Q565H.
Identifiers: ClinVar variation 2881154 (VCV002881154.3), dbSNP rs1194070094, ClinGen allele CA343738538.

ClinVar aggregate classification (germline): Uncertain significance (1 of 4 stars; one submission).

Allele frequency attached by ClinVar (database versions not stated): TOPMed below 0.00001.

Submission:

Labcorp Genetics (formerly Invitae), Labcorp
Classification: Uncertain significance. Last evaluated: 2024-09-06. Review status: criteria provided, single submitter. Criteria: Invitae Variant Classification Sherloc (09022015). Collection method: clinical testing. Allele origin: germline.
Comment: This sequence change replaces glutamine, which is neutral and polar, with histidine, which is basic and polar, at codon 407 of the SUCO protein (p.Gln407His). This variant is not present in population databases (gnomAD no frequency). This variant has not been reported in the literature in individuals affected with SUCO-related conditions. An algorithm developed to predict the effect of missense changes on protein structure and function (PolyPhen-2) suggests that this variant is likely to be disruptive. In summary, the available evidence is currently insufficient to determine the role of this variant in disease. Therefore, it has been classified as a Variant of Uncertain Significance.